The following is an entry in ClinVar:

NC_000017.10:g.(41201212_41203079)_(41203135_41209068)del

Gene: BRCA1 (BRCA1 DNA repair associated; minus strand). Cytogenetic location: 17q21.31.
Variant type: Deletion.
Identifiers: ClinVar variation 2429230 (VCV002429230.6).

ClinVar aggregate classification (germline): Pathogenic (1 of 4 stars; one submission).

Conditions:
Hereditary breast ovarian cancer syndrome. Also called: Hereditary breast and ovarian cancer syndrome (HBOC); Breast and ovarian cancer; Hereditary breast and/or ovarian cancer syndrome; Hereditary breast and ovarian cancer; BRCA1- and BRCA2-Associated Hereditary Breast and Ovarian Cancer; Hereditary breast and ovarian cancer syndrome. Identifiers: Orphanet 145, MedGen C0677776, MeSH D061325, MONDO:0003582. Disease mechanism: loss of function.

Submission:

Women's Health and Genetics/Laboratory Corporation of America, LabCorp
Classification: Pathogenic for Hereditary breast ovarian cancer syndrome. Last evaluated: 2023-01-18. Review status: criteria provided, single submitter. Criteria: LabCorp Variant Classification Summary - May 2015. Collection method: clinical testing. Allele origin: germline.
Comment: Variant summary: The variant identified by MLPA or other technology involves the deletion of exon 20 in the BRCA1 gene. A presumed nomenclature of c.(5277+1_5278-1)_(5332+1_5333-1)del has been designated for the purposes of this classification. Although exact breakpoints of this deletion are not known, it is expected to result in a frameshift in the BRCA1 gene, a known mechanism of disease. The variant was absent in 21694 control chromosomes (gnomAD Structural Variants dataset). c.(5277+1_5278-1)_(5332+1_5333-1)del has been reported in the literature in individuals affected with Breast and/or Ovarian Cancer (e.g. Bunyan_2004, Zhang_2010, Smith_2011). These data indicate that the variant is likely to be associated with disease. To our knowledge, no experimental evidence demonstrating an impact on protein function has been reported. One ClinVar submitter has assessed the variant since 2014: the variant was classified as pathogenic. Based on the evidence outlined above, the variant was classified as pathogenic.

Literature cited by the submitters: PubMed 21281505; PubMed 15475941; PubMed 20596889.